The following is an entry in ClinVar:

ClinVar aggregate classification (germline): Pathogenic/Likely pathogenic. Review status: criteria provided, multiple submitters, no conflicts (2 of 4 stars). 4 submissions from 4 submitters: Pathogenic (1); Likely pathogenic (3). Last evaluated 2025-09-25.

Conditions:
Propionic acidemia (PROP). Also called: GLYCINEMIA, KETOTIC; HYPERGLYCINEMIA WITH KETOACIDOSIS AND LEUKOPENIA; KETOTIC HYPERGLYCINEMIA. Identifiers: Orphanet 35, MedGen C0268579, MONDO:0011628, OMIM 606054, HP:0003571.

Allele frequency attached by ClinVar (database versions not stated): TOPMed below 0.00001; ExAC 0.00001; gnomAD 0.00001; gnomAD exomes 0.00001.

Submissions (4):

Natera, Inc.
Classification: Likely pathogenic for Propionic acidemia. Last evaluated: 2025-09-25. Review status: criteria provided, single submitter. Criteria: Natera Variant Classification Schema (03/2026). Collection method: clinical testing. Allele origin: germline.
Comment: The c.688C>T variant in PCCA is a missense variant predicted to cause substitution of arginine to cysteine at amino acid 230. This variant is rare in the general population with a frequency below the threshold expected for the associated phenotype(s). This variant has been observed in one or more individuals affected with the associated recessive disease, as either homozygous or compound heterozygous with a second variant (PMID: 37689673). Functional studies show that this variant may disrupt protein function (PMID: 30274917). Computational prediction algorithms indicate this variant is likely to affect gene or protein function. Given the available evidence, this variant is classified as Likely Pathogenic.

Fulgent Genetics
Classification: Likely pathogenic for Propionic acidemia. Last evaluated: 2024-04-21. Review status: criteria provided, single submitter. Criteria: ACMG Guidelines, 2015. Collection method: clinical testing. Allele origin: germline.

GeneDx
Classification: Likely pathogenic. Last evaluated: 2024-02-29. Review status: criteria provided, single submitter. Criteria: GeneDx Variant Classification Process June 2021. Collection method: clinical testing. Allele origin: germline. Affected: yes.
Comment: Published functional studies demonstrate a damaging effect on enzyme activity (PMID: 30274917); In silico analysis supports that this missense variant has a deleterious effect on protein structure/function; Not observed at significant frequency in large population cohorts (gnomAD); This variant is associated with the following publications: (PMID: 30274917)

Labcorp Genetics (formerly Invitae), Labcorp
Classification: Pathogenic for Propionic acidemia. Last evaluated: 2024-02-10. Review status: criteria provided, single submitter. Criteria: Invitae Variant Classification Sherloc (09022015). Collection method: clinical testing. Allele origin: germline.
Comment: This sequence change replaces arginine, which is basic and polar, with cysteine, which is neutral and slightly polar, at codon 230 of the PCCA protein (p.Arg230Cys). This variant is present in population databases (rs778530330, gnomAD 0.01%). This missense change has been observed in individual(s) with propionic acidemia (PMID: 30274917; Invitae). In at least one individual the data is consistent with being in trans (on the opposite chromosome) from a pathogenic variant. ClinVar contains an entry for this variant (Variation ID: 646053). Advanced modeling of protein sequence and biophysical properties (such as structural, functional, and spatial information, amino acid conservation, physicochemical variation, residue mobility, and thermodynamic stability) has been performed at Invitae for this missense variant, however the output from this modeling did not meet the statistical confidence thresholds required to predict the impact of this variant on PCCA protein function. Experimental studies have shown that this missense change affects PCCA function (PMID: 30274917). For these reasons, this variant has been classified as Pathogenic.

Literature cited by the submitters: PubMed 37689673 (cited by Natera, Inc.); PubMed 30274917 (cited by Natera, Inc. and Labcorp Genetics (formerly Invitae), Labcorp).

NM_000282.4(PCCA):c.688C>T (p.Arg230Cys)

Gene: PCCA (propionyl-CoA carboxylase subunit alpha; plus strand). Cytogenetic location: 13q32.3.
Variant type: single nucleotide variant.
Coding change: c.688C>T on transcript NM_000282.4 (MANE Select); coding-DNA position 688, C replaced by T.
Protein change: p.Arg230Cys; replaces arginine 230 with cysteine.
Molecular consequence: missense variant. On other transcripts: non-coding transcript variant (5), intron variant (3).
Genome position (GRCh38, 1-based): chr13:100,257,645, C>T. VCF-style: chr13-100257645-C-T. GRCh37 (hg19) VCF-style: chr13-100909899-C-T.
Other names: c.610C>T, p.Arg204Cys (NM_001127692.3, NM_001352607.2, NM_001352608.2); c.688C>T, p.Arg230Cys (NM_001178004.2, NM_001352605.2, NM_001352606.2 and 1 more transcripts); c.-229-5084C>T (NM_001352610.2, NM_001352611.2, NM_001352612.2); short protein forms R230C, R204C.
Identifiers: ClinVar variation 646053 (VCV000646053.16), dbSNP rs778530330, ClinGen allele CA7033331.